The following is an entry in ClinVar:

ClinVar aggregate classification (germline): Pathogenic (1 of 4 stars; one submission).

Conditions:
Hereditary cancer-predisposing syndrome. Also called: Neoplastic Syndromes, Hereditary; Tumor predisposition; Hereditary Cancer Syndrome; Hereditary neoplastic syndrome. Identifiers: Orphanet 140162, MedGen C0027672, MeSH D009386, MONDO:0015356.

Submission:

Molecular Diagnostics Laboratory, Catalan Institute of Oncology
Classification: Pathogenic for Hereditary cancer-predisposing syndrome. Last evaluated: 2025-02-25. Review status: criteria provided, single submitter. Criteria: MMR VCEP Paper Draft V3.1. Collection method: clinical testing. Allele origin: germline.
Comment: PVS1, PM2_Supporting, PP4 c.857_861del, located in exon 4 of the MSH6 gene, consists in the deletion of four nucleotides, causing a translational frameshift with a predicted alternate stop codon, p.(Glu286Glyfs*24).This alteration is expected to result in loss of function by premature protein truncation (PVS1). It is not present in the population database gnomAD v2.1.1, non cancer dataset (PM2_Supporting). No effect is predicted on splicing by computational tools. Also, the variant has not been reported neither in ClinVar, LOVD nor in InSiGHT databases. Based on currently available information, the variant c.857_861del is classified as a pathogenic variant according to ClinGen-MMR Guidelines Draft version v3.1.

NM_000179.3(MSH6):c.857_861del (p.Glu286fs)

Gene: MSH6 (mutS homolog 6; plus strand). Cytogenetic location: 2p16.3.
Variant type: Deletion.
Coding change: c.857_861del on transcript NM_000179.3 (MANE Select); coding-DNA positions 857 to 861, 5 bases deleted (AGAGT; older notation c.857_861delAGAGT).
Protein change: p.Glu286fs; shifts the reading frame from glutamic acid 286.
Molecular consequence: frameshift variant. On other transcripts: 5 prime UTR variant (9), non-coding transcript variant (4), intron variant (1).
Genome position (GRCh38, 1-based): chr2:47,798,840-47,798,844, AGAGT deleted. VCF-style (leftmost placement, unchanged base first): chr2-47798839-GAGAGT-G. GRCh37 (hg19) VCF-style: chr2-48025978-GAGAGT-G.
Other names: c.560_564del, p.Glu187fs (NM_001406827.1, NM_001406828.1, NM_001406824.1 and 10 more transcripts); c.-50_-46del (NM_001406829.1, NM_001281493.2, NM_001281494.2 and 6 more transcripts); c.689_693del, p.Glu230fs (NM_001406826.1); c.467_471del, p.Glu156fs (NM_001281492.2); c.953_957del, p.Glu318fs (NM_001406795.1, NM_001406802.1); c.857_861del, p.Glu286fs (NM_001406796.1, NM_001406798.1, NM_001406800.1 and 4 more transcripts); c.332_336del, p.Glu111fs (NM_001406799.1, NM_001406806.1, NM_001406807.1); c.779_783del, p.Glu260fs (NM_001406804.1); and 2 more; short protein forms E111fs, E156fs, E187fs, E230fs, E260fs, E286fs, E288fs, E318fs.
Identifiers: ClinVar variation 3893664 (VCV003893664.1).